The following is an entry in ClinVar:

NM_080647.1(TBX1):c.14C>T (p.Thr5Ile)

Gene: TBX1 (T-box transcription factor 1; plus strand). Cytogenetic location: 22q11.21.
Variant type: single nucleotide variant.
Coding change: c.14C>T on transcript NM_080647.1; coding-DNA position 14, C replaced by T.
Protein change: p.Thr5Ile; replaces threonine 5 with isoleucine.
Molecular consequence: missense variant.
Genome position (GRCh38, 1-based): chr22:19,759,657, C>T. VCF-style: chr22-19759657-C-T. GRCh37 (hg19) VCF-style: chr22-19747180-C-T.
Other names: c.14C>T, p.Thr5Ile (NM_005992.1, NM_080646.2); short protein forms T5I.
Identifiers: ClinVar variation 2501643 (VCV002501643.4), dbSNP rs1359225612, ClinGen allele CA410680802.

ClinVar aggregate classification (germline): Uncertain significance. Review status: criteria provided, multiple submitters, no conflicts (2 of 4 stars). 2 submissions from 2 submitters: Uncertain significance (2). Last evaluated 2026-01-20.

Conditions:
Cardiovascular phenotype. Identifiers: MedGen CN230736.

Allele frequency attached by ClinVar (database versions not stated): gnomAD 0.00001.
gnomAD v4.1: 1 of 1,612,432 alleles (0.000062%); highest among the groups gnomAD compares: African/African-American, 0.0013%; no homozygotes.

Submissions (2):

GeneDx
Classification: Uncertain significance. Last evaluated: 2026-01-20. Review status: criteria provided, single submitter. Criteria: GeneDx Variant Classification Process June 2021. Collection method: clinical testing. Allele origin: germline. Affected: yes.
Comment: Not observed at significant frequency in large population cohorts (gnomAD); In silico analysis suggests that this missense variant does not alter protein structure/function; Has not been previously published as pathogenic or benign to our knowledge

Ambry Genetics
Classification: Uncertain significance for Cardiovascular phenotype. Last evaluated: 2023-04-28. Review status: criteria provided, single submitter. Criteria: Ambry Variant Classification Scheme 2023. Collection method: clinical testing. Allele origin: germline.
Comment: The p.T5I variant (also known as c.14C>T), located in coding exon 1 of the TBX1 gene, results from a C to T substitution at nucleotide position 14. The threonine at codon 5 is replaced by isoleucine, an amino acid with similar properties. This amino acid position is conserved. In addition, the in silico prediction for this alteration is inconclusive. Since supporting evidence is limited at this time, the clinical significance of this alteration remains unclear.